The following is an entry in ClinVar:

Conditions:
Breast-ovarian cancer, familial, susceptibility to, 1 (BROVCA1). Also called: BRCA1 Hereditary Breast and Ovarian Cancer; OVARIAN CANCER, SUSCEPTIBILITY TO. Identifiers: Orphanet 145, MedGen C2676676, MONDO:0011450, OMIM 604370. Disease mechanism: loss of function.

Submission:

Brotman Baty Institute, University of Washington
No classification provided (evidence only). Condition: Breast-ovarian cancer, familial 1. Review status: no classification provided. Collection method: in vitro. Allele origin: not applicable. Functional consequence: functionally_normal.
ClinVar note: "not provided" was previously submitted as the classification for the variant. However, the classification appeared to be based only on an observation of functional data so it was converted to no classification on 2025-07-30.

NM_007294.4(BRCA1):c.-8A>C

Gene: BRCA1 (BRCA1 DNA repair associated; minus strand). Cytogenetic location: 17q21.31.
Variant type: single nucleotide variant.
Coding change: c.-8A>C on transcript NM_007294.4 (MANE Select); 8 bases upstream of the start codon, A replaced by C.
Molecular consequence: 5 prime UTR variant. On other transcripts: non-coding transcript variant (1).
Genome position (GRCh38, 1-based): chr17:43,124,104, T>G on the plus strand (A>C on the coding strand, the complement: BRCA1 is on the minus strand). VCF-style: chr17-43124104-T-G. GRCh37 (hg19) VCF-style: chr17-41276121-T-G.
Other names: c.-8A>C (NM_001407986.1, NM_001407990.1, NM_001407992.1 and 169 more transcripts); c.-268A>C (NM_001408410.1, NM_001408452.1, NM_001408462.1 and 22 more transcripts); c.-95A>C (NM_001408454.1, NM_001408459.1, NM_001408460.1 and 21 more transcripts); c.-265A>C (NM_001408455.1, NM_001408456.1, NM_001408468.1 and 11 more transcripts); c.-269A>C (NM_001408465.1, NM_001407695.1); c.-196A>C (NM_001408478.1, NM_001408479.1, NM_001408480.1 and 42 more transcripts); c.-341A>C (NM_001408482.1); c.-312A>C (NM_001408492.1, NM_001407889.1); and 8 more.
Identifiers: ClinVar variation 868662 (VCV000868662.3), dbSNP rs2055749162, ClinGen allele CA916081150.
Genomic context (GRCh38, chr17:43,124,104, plus strand): 5'-ATAGCATTAATGACATTTTGTACTTCTTCAACGCGAAGAGCAGATAAATCCATTTCTTTC[T>G]GTTCCAATGAACTTTAACACATTAGAAAAACATATATATATATCTTTTTAAAAGGTTTAT-3'